The following is an entry in ClinVar:

NM_001029883.3(PCARE):c.3859G>A (p.Val1287Met)

Gene: PCARE (photoreceptor cilium actin regulator; minus strand). Cytogenetic location: 2p23.2.
Variant type: single nucleotide variant.
Coding change: c.3859G>A on transcript NM_001029883.3 (MANE Select); coding-DNA position 3859, G replaced by A.
Protein change: p.Val1287Met; replaces valine 1287 with methionine.
Molecular consequence: missense variant.
Genome position (GRCh38, 1-based): chr2:29,064,877, C>T on the plus strand (G>A on the coding strand, the complement: PCARE is on the minus strand). VCF-style: chr2-29064877-C-T. GRCh37 (hg19) VCF-style: chr2-29287743-C-T.
Other names: short protein forms V1287M.
Identifiers: ClinVar variation 855041 (VCV000855041.11), dbSNP rs756723301, ClinGen allele CA1591814.

ClinVar aggregate classification (germline): Uncertain significance (1 of 4 stars; one submission).

Allele frequency attached by ClinVar (database versions not stated): ExAC 0.00001; gnomAD exomes 0.00001; TOPMed 0.00001; gnomAD 0.00002 and 0.00003.

Submission:

Labcorp Genetics (formerly Invitae), Labcorp
Classification: Uncertain significance. Last evaluated: 2025-08-21. Review status: criteria provided, single submitter. Criteria: Invitae Variant Classification Sherloc (09022015). Collection method: clinical testing. Allele origin: germline.
Comment: This sequence change replaces valine, which is neutral and non-polar, with methionine, which is neutral and non-polar, at codon 1287 of the PCARE protein (p.Val1287Met). This variant is present in population databases (rs756723301, gnomAD 0.009%). This variant has not been reported in the literature in individuals affected with PCARE-related conditions. ClinVar contains an entry for this variant (Variation ID: 855041). An algorithm developed to predict the effect of missense changes on protein structure and function outputs the following: PolyPhen-2: "Benign". The methionine amino acid residue is found in multiple mammalian species, which suggests that this missense change does not adversely affect protein function. In summary, the available evidence is currently insufficient to determine the role of this variant in disease. Therefore, it has been classified as a Variant of Uncertain Significance.